The following is an entry in ClinVar:

ClinVar aggregate classification (germline): Conflicting classifications of pathogenicity. Review status: criteria provided, conflicting classifications (1 of 4 stars). 4 submissions from 4 submitters: Uncertain significance (1); Likely benign (2). 1 of the submissions does not count toward it. Last evaluated 2025-11-16.

Conditions:
Hereditary hyperinsulinism.

Allele frequency attached by ClinVar (database versions not stated): gnomAD 0.00003 and 0.00004; TOPMed 0.00005; 1000 Genomes Project 30x 0.00031; 1000 Genomes Project 0.00040.
gnomAD v4.1: 39 of 1,611,984 alleles (0.0024%); highest among the groups gnomAD compares: East Asian, 0.051%; no homozygotes.

Submissions (4):

Labcorp Genetics (formerly Invitae), Labcorp
Classification: Likely benign. Last evaluated: 2025-11-16. Review status: criteria provided, single submitter. Criteria: Invitae Variant Classification Sherloc (09022015). Collection method: clinical testing. Allele origin: germline.

GeneDx
Classification: Uncertain significance. Last evaluated: 2025-08-20. Review status: criteria provided, single submitter. Criteria: GeneDx Variant Classification Process June 2021. Collection method: clinical testing. Allele origin: germline.
Comment: In silico analysis is inconclusive as to whether the variant alters gene splicing. In the absence of RNA/functional studies, the actual effect of this sequence change is unknown.; Has not been previously published as pathogenic or benign with an ABCC8-related disorder to our knowledge; This variant is associated with the following publications: (PMID: 32041611)

Blueprint Genetics
Classification: Likely benign. Last evaluated: 2023-10-26. Review status: criteria provided, single submitter. Criteria: ACMG Guidelines, 2015. Collection method: clinical testing. Allele origin: germline.

Natera, Inc.
Classification: Likely benign for Hereditary hyperinsulinism. Last evaluated: 2020-01-31. Review status: no assertion criteria provided. Collection method: clinical testing. Allele origin: germline. Not counted in ClinVar's aggregate classification.

NM_000352.6(ABCC8):c.2235C>T (p.Ser745=)

Gene: ABCC8 (ATP binding cassette subfamily C member 8; minus strand). Cytogenetic location: 11p15.1.
Variant type: single nucleotide variant.
Coding change: c.2235C>T on transcript NM_000352.6 (MANE Select); coding-DNA position 2235, C replaced by T.
Protein change: p.Ser745=; no amino-acid change (serine 745 retained).
Molecular consequence: synonymous variant. On other transcripts: non-coding transcript variant (1).
Genome position (GRCh38, 1-based): chr11:17,416,950, G>A on the plus strand (C>T on the coding strand, the complement: ABCC8 is on the minus strand). VCF-style: chr11-17416950-G-A. GRCh37 (hg19) VCF-style: chr11-17438497-G-A.
Other names: c.2235C>T (NM_000352.3); c.2238C>T, p.Ser746= (NM_001287174.3); c.2301C>T, p.Ser767= (NM_001351295.2); c.2235C>T, p.Ser745= (NM_001351296.2); c.2232C>T, p.Ser744= (NM_001351297.2).
Identifiers: ClinVar variation 753067 (VCV000753067.13), dbSNP rs200708414, ClinGen allele CA5903253.